The following is an entry in ClinVar:

ClinVar aggregate classification (germline): Conflicting classifications of pathogenicity. Review status: criteria provided, conflicting classifications (1 of 4 stars). 4 submissions from 4 submitters: Pathogenic (1); Likely pathogenic (2); Uncertain significance (1). Last evaluated 2024-04-25.

Conditions:
Retinal dystrophy. Also called: Inherited retinal dystrophy. Identifiers: Orphanet 71862, MedGen C0854723, MeSH D058499, MONDO:0019118, HP:0000556.
Retinitis pigmentosa 26 (RP26). Identifiers: Orphanet 791, MedGen C1842127, MONDO:0012024, OMIM 608380.

Allele frequency attached by ClinVar (database versions not stated): gnomAD 0.00001.
gnomAD v4.1: 4 of 1,612,126 alleles (0.00025%); highest among the groups gnomAD compares: East Asian, 0.0045%; no homozygotes.

Submissions (4):

Fulgent Genetics
Classification: Likely pathogenic for Retinitis pigmentosa 26. Last evaluated: 2024-04-25. Review status: criteria provided, single submitter. Criteria: ACMG Guidelines, 2015. Collection method: clinical testing. Allele origin: germline.

Labcorp Genetics (formerly Invitae), Labcorp
Classification: Pathogenic. Last evaluated: 2023-12-13. Review status: criteria provided, single submitter. Criteria: Invitae Variant Classification Sherloc (09022015). Collection method: clinical testing. Allele origin: germline.
Comment: This sequence change creates a premature translational stop signal (p.Trp237*) in the CERKL gene. It is expected to result in an absent or disrupted protein product. Loss-of-function variants in CERKL are known to be pathogenic (PMID: 14681825, 23591405, 24043777). This variant is not present in population databases (gnomAD no frequency). This variant has not been reported in the literature in individuals affected with CERKL-related conditions. ClinVar contains an entry for this variant (Variation ID: 951816). For these reasons, this variant has been classified as Pathogenic.

Dept Of Ophthalmology, Nagoya University
Classification: Uncertain significance for Retinal dystrophy. Last evaluated: 2023-10-01. Review status: criteria provided, single submitter. Criteria: Submitter's publication. Collection method: research. Allele origin: germline. Affected: yes.

Baylor Genetics
Classification: Likely pathogenic for Retinitis pigmentosa 26. Last evaluated: 2023-05-18. Review status: criteria provided, single submitter. Criteria: ACMG Guidelines, 2015. Collection method: clinical testing. Allele origin: unknown.

Literature cited by the submitters: PubMed 14681825 (cited by Labcorp Genetics (formerly Invitae), Labcorp); PubMed 23591405 (cited by Labcorp Genetics (formerly Invitae), Labcorp); PubMed 24043777 (cited by Labcorp Genetics (formerly Invitae), Labcorp).

NM_201548.5(CERKL):c.677+581G>A

Gene: CERKL (CERK like autophagy regulator; minus strand). Cytogenetic location: 2q31.3.
Variant type: single nucleotide variant.
Coding change: c.677+581G>A on transcript NM_201548.5 (MANE Select); 581 bases into the intron after coding-DNA position 677, G replaced by A.
Molecular consequence: intron variant. On other transcripts: nonsense (2).
Genome position (GRCh38, 1-based): chr2:181,565,477, C>T on the plus strand (G>A on the coding strand, the complement: CERKL is on the minus strand). VCF-style: chr2-181565477-C-T. GRCh37 (hg19) VCF-style: chr2-182430204-C-T.
Other names: c.711G>A, p.Trp237Ter (NM_001030311.3); c.579G>A, p.Trp193Ter (NM_001160277.2); c.482-15769G>A (NM_001030312.3); c.613+8276G>A (NM_001030313.3); short protein forms W193*, W237*.
Identifiers: ClinVar variation 951816 (VCV000951816.10), dbSNP rs1574454654, ClinGen allele CA349742596.